The following is an entry in ClinVar:

NM_004320.6(ATP2A1):c.2545G>A (p.Val849Met)

Gene: ATP2A1 (ATPase sarcoplasmic/endoplasmic reticulum Ca2+ transporting 1; plus strand). Cytogenetic location: 16p11.2.
Variant type: single nucleotide variant.
Coding change: c.2545G>A on transcript NM_004320.6 (MANE Select); coding-DNA position 2545, G replaced by A.
Protein change: p.Val849Met; replaces valine 849 with methionine.
Molecular consequence: missense variant.
Genome position (GRCh38, 1-based): chr16:28,902,600, G>A. VCF-style: chr16-28902600-G-A. GRCh37 (hg19) VCF-style: chr16-28913921-G-A.
Other names: c.2545G>A (NM_173201.4); c.2170G>A, p.Val724Met (NM_001286075.2); c.2545G>A, p.Val849Met (NM_173201.5); short protein forms V724M, V849M.
Identifiers: ClinVar variation 663465 (VCV000663465.8), dbSNP rs748956350, ClinGen allele CA7987308.

ClinVar aggregate classification (germline): Uncertain significance. Review status: criteria provided, multiple submitters, no conflicts (2 of 4 stars). 2 submissions from 2 submitters: Uncertain significance (2). Last evaluated 2022-07-25.

Conditions:
Brody myopathy. Also called: BRODY DISEASE. Identifiers: Orphanet 53347, MedGen C1832918, MONDO:0010977, OMIM 601003.

Allele frequency attached by ClinVar (database versions not stated): TOPMed below 0.00001; ExAC 0.00001; gnomAD exomes 0.00001.
gnomAD v4.1: 14 of 1,614,096 alleles (0.00087%); highest among the groups gnomAD compares: East Asian, 0.0022%; no homozygotes.

Submissions (2):

Labcorp Genetics (formerly Invitae), Labcorp
Classification: Uncertain significance for Brody myopathy. Last evaluated: 2022-07-25. Review status: criteria provided, single submitter. Criteria: Invitae Variant Classification Sherloc (09022015). Collection method: clinical testing. Allele origin: germline.
Comment: This sequence change replaces valine, which is neutral and non-polar, with methionine, which is neutral and non-polar, at codon 849 of the ATP2A1 protein (p.Val849Met). This variant is present in population databases (rs748956350, gnomAD 0.006%). This variant has not been reported in the literature in individuals affected with ATP2A1-related conditions. ClinVar contains an entry for this variant (Variation ID: 663465). Algorithms developed to predict the effect of missense changes on protein structure and function are either unavailable or do not agree on the potential impact of this missense change (SIFT: "Deleterious"; PolyPhen-2: "Probably Damaging"; Align-GVGD: "Class C0"). In summary, the available evidence is currently insufficient to determine the role of this variant in disease. Therefore, it has been classified as a Variant of Uncertain Significance.

Revvity Omics, Revvity
Classification: Uncertain significance for Brody myopathy. Last evaluated: 2021-06-18. Review status: criteria provided, single submitter. Criteria: ACMG Guidelines, 2015. Collection method: clinical testing. Allele origin: germline.